The following is an entry in ClinVar:

ClinVar aggregate classification (germline): Uncertain significance (1 of 4 stars; one submission).

Submission:

Labcorp Genetics (formerly Invitae), Labcorp
Classification: Uncertain significance. Last evaluated: 2023-01-06. Review status: criteria provided, single submitter. Criteria: Invitae Variant Classification Sherloc (09022015). Collection method: clinical testing. Allele origin: germline.
Comment: ClinVar contains an entry for this variant (Variation ID: 940799). This missense change has been observed in individual(s) with retinitis pigmentosa (Invitae). This variant is not present in population databases (gnomAD no frequency). This sequence change replaces isoleucine, which is neutral and non-polar, with valine, which is neutral and non-polar, at codon 2090 of the PRPF8 protein (p.Ile2090Val). Advanced modeling of protein sequence and biophysical properties (such as structural, functional, and spatial information, amino acid conservation, physicochemical variation, residue mobility, and thermodynamic stability) performed at Invitae indicates that this missense variant is not expected to disrupt PRPF8 protein function. In summary, the available evidence is currently insufficient to determine the role of this variant in disease. Therefore, it has been classified as a Variant of Uncertain Significance.

NM_006445.4(PRPF8):c.6268A>G (p.Ile2090Val)

Gene: PRPF8 (pre-mRNA processing factor 8; minus strand). Cytogenetic location: 17p13.3.
Variant type: single nucleotide variant.
Coding change: c.6268A>G on transcript NM_006445.4 (MANE Select); coding-DNA position 6268, A replaced by G.
Protein change: p.Ile2090Val; replaces isoleucine 2090 with valine.
Molecular consequence: missense variant.
Genome position (GRCh38, 1-based): chr17:1,653,643, T>C on the plus strand (A>G on the coding strand, the complement: PRPF8 is on the minus strand). VCF-style: chr17-1653643-T-C. GRCh37 (hg19) VCF-style: chr17-1556937-T-C.
Other names: short protein forms I2090V.
Identifiers: ClinVar variation 940799 (VCV000940799.7), dbSNP rs1911198453, ClinGen allele CA397566722.